The following is an entry in ClinVar:

ClinVar aggregate classification (germline): Uncertain significance (1 of 4 stars; one submission).

Allele frequency attached by ClinVar (database versions not stated): gnomAD exomes below 0.00001 and 0.00001; TOPMed below 0.00001; gnomAD 0.00001.
gnomAD v4.1: 11 of 1,614,046 alleles (0.00068%); highest among the groups gnomAD compares: African/African-American, 0.0013%; no homozygotes.

Submission:

Labcorp Genetics (formerly Invitae), Labcorp
Classification: Uncertain significance. Last evaluated: 2021-11-12. Review status: criteria provided, single submitter. Criteria: Invitae Variant Classification Sherloc (09022015). Collection method: clinical testing. Allele origin: germline.
Comment: In summary, the available evidence is currently insufficient to determine the role of this variant in disease. Therefore, it has been classified as a Variant of Uncertain Significance. Algorithms developed to predict the effect of missense changes on protein structure and function output the following: SIFT: "Not Available"; PolyPhen-2: "Benign"; Align-GVGD: "Not Available". The valine amino acid residue is found in multiple mammalian species, which suggests that this missense change does not adversely affect protein function. This variant has not been reported in the literature in individuals affected with LCT-related conditions. This variant is present in population databases (no rsID available, gnomAD 0.0009%). This sequence change replaces alanine, which is neutral and non-polar, with valine, which is neutral and non-polar, at codon 493 of the LCT protein (p.Ala493Val).

NM_002299.4(LCT):c.1478C>T (p.Ala493Val)

Genes: LCT (lactase; minus strand), LOC126806353 (BRD4-independent group 4 enhancer GRCh37_chr2:136574960-136576159; plus strand). Cytogenetic location: 2q21.3.
Variant type: single nucleotide variant.
Coding change: c.1478C>T on transcript NM_002299.4 (MANE Select); coding-DNA position 1478, C replaced by T.
Protein change: p.Ala493Val; replaces alanine 493 with valine.
Molecular consequence: missense variant.
Genome position (GRCh38, 1-based): chr2:135,817,570, G>A on the plus strand (C>T on the coding strand, the complement: LCT is on the minus strand). VCF-style: chr2-135817570-G-A. GRCh37 (hg19) VCF-style: chr2-136575140-G-A.
Other names: short protein forms A493V.
Identifiers: ClinVar variation 1476266 (VCV001476266.6), dbSNP rs1413876853, ClinGen allele CA348606084.